The following is an entry in ClinVar:

ClinVar aggregate classification (germline): Uncertain significance (1 of 4 stars; one submission).

Conditions:
Leigh syndrome (NULS). Also called: Leigh Syndrome (mtDNA deletion); Leigh's syndrome; LEIGH SYNDROME, NUCLEAR; Leigh's necrotizing encephalopathy; Leigh's disease; Leigh Disease. Identifiers: Orphanet 506, MedGen C2931891, MONDO:0009723, OMIM 256000.

Allele frequency attached by ClinVar (database versions not stated): gnomAD exomes 0.00001; TOPMed 0.00002.

Submission:

Labcorp Genetics (formerly Invitae), Labcorp
Classification: Uncertain significance for Leigh syndrome. Last evaluated: 2021-12-07. Review status: criteria provided, single submitter. Criteria: Invitae Variant Classification Sherloc (09022015). Collection method: clinical testing. Allele origin: germline.
Comment: This sequence change replaces proline, which is neutral and non-polar, with serine, which is neutral and polar, at codon 183 of the SURF1 protein (p.Pro183Ser). This variant is present in population databases (rs782765995, gnomAD 0.01%). This variant has not been reported in the literature in individuals affected with SURF1-related conditions. Algorithms developed to predict the effect of missense changes on protein structure and function are either unavailable or do not agree on the potential impact of this missense change (SIFT: "Tolerated"; PolyPhen-2: "Possibly Damaging"; Align-GVGD: "Class C0"). In summary, the available evidence is currently insufficient to determine the role of this variant in disease. Therefore, it has been classified as a Variant of Uncertain Significance.

NM_003172.4(SURF1):c.547C>T (p.Pro183Ser)

Gene: SURF1 (SURF1 cytochrome c oxidase assembly factor; minus strand). Cytogenetic location: 9q34.2.
Variant type: single nucleotide variant.
Coding change: c.547C>T on transcript NM_003172.4 (MANE Select); coding-DNA position 547, C replaced by T.
Protein change: p.Pro183Ser; replaces proline 183 with serine.
Molecular consequence: missense variant.
Genome position (GRCh38, 1-based): chr9:133,352,735, G>A on the plus strand (C>T on the coding strand, the complement: SURF1 is on the minus strand). VCF-style: chr9-133352735-G-A. GRCh37 (hg19) VCF-style: chr9-136219590-G-A.
Other names: c.220C>T, p.Pro74Ser (NM_001280787.1); short protein forms P183S, P74S.
Identifiers: ClinVar variation 1381219 (VCV001381219.3), dbSNP rs782765995, ClinGen allele CA200832514.